The following is an entry in ClinVar:

NM_002230.4(JUP):c.1915G>A (p.Glu639Lys)

Gene: JUP (junction plakoglobin; minus strand). Cytogenetic location: 17q21.2.
Variant type: single nucleotide variant.
Coding change: c.1915G>A on transcript NM_002230.4 (MANE Select); coding-DNA position 1915, G replaced by A.
Protein change: p.Glu639Lys; replaces glutamic acid 639 with lysine.
Molecular consequence: missense variant.
Genome position (GRCh38, 1-based): chr17:41,757,643, C>T on the plus strand (G>A on the coding strand, the complement: JUP is on the minus strand). VCF-style: chr17-41757643-C-T. GRCh37 (hg19) VCF-style: chr17-39913895-C-T.
Other names: c.1915G>A, p.Glu639Lys (NM_001352773.2, NM_001352774.2, NM_001352775.2 and 3 more transcripts); short protein forms E639K.
Identifiers: ClinVar variation 1782575 (VCV001782575.5), dbSNP rs1321508670, ClinGen allele CA399492110.

ClinVar aggregate classification (germline): Uncertain significance. Review status: criteria provided, multiple submitters, no conflicts (2 of 4 stars). 3 submissions from 3 submitters: Uncertain significance (3). Last evaluated 2025-08-01.

Conditions:
Naxos disease (NXD). Also called: KERATOSIS PALMOPLANTARIS WITH ARRHYTHMOGENIC CARDIOMYOPATHY; MAL DE NAXOS; PALMOPLANTAR KERATODERMA WITH ARRHYTHMOGENIC RIGHT VENTRICULAR CARDIOMYOPATHY AND WOOLLY HAIR; WOOLLY HAIR, PALMOPLANTAR KERATODERMA, AND CARDIAC ABNORMALITIES; CARDIOMYOPATHY, ARRHYTHMOGENIC RIGHT VENTRICULAR, WITH SKIN, HAIR, AND NAIL ABNORMALITIES. Identifiers: Orphanet 34217, MedGen C1832600, MONDO:0011017, OMIM 601214.
Arrhythmogenic right ventricular dysplasia 12. Also called: ARRHYTHMOGENIC RIGHT VENTRICULAR DYSPLASIA, FAMILIAL, 12. Identifiers: MedGen C1969081, MONDO:0012684, OMIM 611528.
Cardiovascular phenotype. Identifiers: MedGen CN230736.
Cardiomyopathy (CMYO). Also called: Cardiomyopathies. Identifiers: Orphanet 167848, MedGen C0878544, MONDO:0004994, HP:0001638. Inheritance: Various modes of inheritance.

Allele frequency attached by ClinVar (database versions not stated): gnomAD exomes below 0.00001; TOPMed 0.00001; gnomAD 0.00002.
gnomAD v4.1: 8 of 1,613,600 alleles (0.0005%); highest among the groups gnomAD compares: Middle Eastern, 0.016%; no homozygotes.

Submissions (3):

Labcorp Genetics (formerly Invitae), Labcorp
Classification: Uncertain significance for Arrhythmogenic right ventricular dysplasia 12; Naxos disease. Last evaluated: 2025-08-01. Review status: criteria provided, single submitter. Criteria: Invitae Variant Classification Sherloc (09022015). Collection method: clinical testing. Allele origin: germline.
Comment: This sequence change replaces glutamic acid, which is acidic and polar, with lysine, which is basic and polar, at codon 639 of the JUP protein (p.Glu639Lys). This variant is present in population databases (no rsID available, gnomAD 0.004%). This missense change has been observed in individual(s) with JUP-related conditions (PMID: 27532257). ClinVar contains an entry for this variant (Variation ID: 1782575). An algorithm developed to predict the effect of missense changes on protein structure and function (PolyPhen-2) suggests that this variant is likely to be disruptive. In summary, the available evidence is currently insufficient to determine the role of this variant in disease. Therefore, it has been classified as a Variant of Uncertain Significance.

CHEO Genetics Diagnostic Laboratory, Children's Hospital of Eastern Ontario
Classification: Uncertain significance for Cardiomyopathy. Last evaluated: 2021-06-29. Review status: criteria provided, single submitter. Criteria: ACMG Guidelines, 2015. Collection method: clinical testing. Allele origin: germline.

Ambry Genetics
Classification: Uncertain significance for Cardiovascular phenotype. Last evaluated: 2020-11-20. Review status: criteria provided, single submitter. Criteria: Ambry Variant Classification Scheme 2023. Collection method: clinical testing. Allele origin: germline.
Comment: The p.E639K variant (also known as c.1915G>A), located in coding exon 10 of the JUP gene, results from a G to A substitution at nucleotide position 1915. The glutamic acid at codon 639 is replaced by lysine, an amino acid with similar properties. This variant was detected in an arrhythmogenic right ventricular cardiomyopathy (ARVC) genetic testing cohort; however, clinical details were limited (Walsh R et al. Genet Med, 2017 02;19:192-203). This amino acid position is highly conserved in available vertebrate species. In addition, this alteration is predicted to be deleterious by in silico analysis. Since supporting evidence is limited at this time, the clinical significance of this alteration remains unclear.

Literature cited by the submitters: PubMed 27532257 (cited by Labcorp Genetics (formerly Invitae), Labcorp and Ambry Genetics); PubMed 29802319 (cited by Ambry Genetics).